The following is an entry in ClinVar:

NM_002381.5(MATN3):c.62T>G (p.Leu21Arg)

Gene: MATN3 (matrilin 3; minus strand). Cytogenetic location: 2p24.1.
Variant type: single nucleotide variant.
Coding change: c.62T>G on transcript NM_002381.5 (MANE Select); coding-DNA position 62, T replaced by G.
Protein change: p.Leu21Arg; replaces leucine 21 with arginine.
Molecular consequence: missense variant.
Genome position (GRCh38, 1-based): chr2:20,012,570, A>C on the plus strand (T>G on the coding strand, the complement: MATN3 is on the minus strand). VCF-style: chr2-20012570-A-C. GRCh37 (hg19) VCF-style: chr2-20212331-A-C.
Other names: short protein forms L21R.
Identifiers: ClinVar variation 283602 (VCV000283602.20), dbSNP rs573907581, ClinGen allele CA1544010.

ClinVar aggregate classification (germline): Conflicting classifications of pathogenicity. Review status: criteria provided, conflicting classifications (1 of 4 stars). 4 submissions from 4 submitters: Uncertain significance (1); Benign (3). Last evaluated 2025-12-17.

Conditions:
Inborn genetic diseases. Identifiers: MedGen C0950123, MeSH D030342.
Multiple epiphyseal dysplasia type 5 (EDM5). Also called: MATN3-Related Multiple Epiphyseal Dysplasia; Microepiphyseal dysplasia, bilateral hereditary. Identifiers: Orphanet 93311, MedGen C1846843, MONDO:0011765, OMIM 607078.

Allele frequency attached by ClinVar (database versions not stated): ExAC below 0.00001; gnomAD exomes 0.00038; 1000 Genomes Project 0.00399; 1000 Genomes Project 30x 0.00406; gnomAD 0.00414 and 0.00445; TOPMed 0.00450.
gnomAD v4.1: 1,048 of 1,226,678 alleles (0.085%); highest among the groups gnomAD compares: African/African-American, 1.5%; 6 homozygotes.

Submissions (4):

Labcorp Genetics (formerly Invitae), Labcorp
Classification: Benign. Last evaluated: 2025-12-17. Review status: criteria provided, single submitter. Criteria: Invitae Variant Classification Sherloc (09022015). Collection method: clinical testing. Allele origin: germline.

Ambry Genetics
Classification: Uncertain significance for Inborn genetic diseases. Last evaluated: 2024-01-16. Review status: criteria provided, single submitter. Criteria: Ambry Variant Classification Scheme 2023. Collection method: clinical testing. Allele origin: germline.

Illumina Laboratory Services, Illumina
Classification: Benign for Multiple epiphyseal dysplasia type 5. Last evaluated: 2018-01-13. Review status: criteria provided, single submitter. Criteria: ICSL Variant Classification Criteria 13 December 2019. Collection method: clinical testing. Allele origin: germline.
Comment: This variant was observed in the ICSL laboratory as part of a predisposition screen in an ostensibly healthy population. It had not been previously curated by ICSL or reported in the Human Gene Mutation Database (HGMD: prior to June 1st, 2018), and was therefore a candidate for classification through an automated scoring system. Utilizing variant allele frequency, disease prevalence and penetrance estimates, and inheritance mode, an automated score was calculated to assess if this variant is too frequent to cause the disease. Based on the score and internal cut-off values, a variant classified as benign is not then subjected to further curation. The score for this variant resulted in a classification of benign for this disease.

Eurofins Ntd Llc (ga)
Classification: Benign. Last evaluated: 2015-10-08. Review status: criteria provided, single submitter. Criteria: EGL Classification Definitions 2015. Collection method: clinical testing. Allele origin: germline. Observed: 1 variant allele, 1 heterozygote.